The following is an entry in ClinVar:

ClinVar aggregate classification (germline): Uncertain significance (1 of 4 stars; one submission).

Submission:

GeneDx
Classification: Uncertain significance. Last evaluated: 2025-03-26. Review status: criteria provided, single submitter. Criteria: GeneDx Variant Classification Process June 2021. Collection method: clinical testing. Allele origin: germline. Affected: yes.
Comment: Not observed at significant frequency in large population cohorts (gnomAD); Intronic +5 splice site variant in a gene for which loss of function is a known mechanism of disease, and both splice predictors and evolutionary conservation support a deleterious effect, although in the absence of functional evidence the actual effect of this sequence change is unknown.; Has not been previously published as pathogenic or benign to our knowledge

NM_020937.4(FANCM):c.4386+5G>A

Gene: FANCM (FA complementation group M; plus strand). Cytogenetic location: 14q21.2.
Variant type: single nucleotide variant.
Coding change: c.4386+5G>A on transcript NM_020937.4 (MANE Select); 5 bases into the intron after coding-DNA position 4386, G replaced by A.
Molecular consequence: intron variant.
Genome position (GRCh38, 1-based): chr14:45,181,710, G>A. VCF-style: chr14-45181710-G-A. GRCh37 (hg19) VCF-style: chr14-45650913-G-A.
Other names: c.4308+5G>A (NM_001308133.2).
Identifiers: ClinVar variation 4087962 (VCV004087962.1).